The following is an entry in ClinVar:

ClinVar aggregate classification (germline): Uncertain significance (1 of 4 stars; one submission).

gnomAD v4.1: 13 of 1,613,242 alleles (0.00081%); highest among the groups gnomAD compares: Non-Finnish European, 0.0011%; no homozygotes.

Submission:

Labcorp Genetics (formerly Invitae), Labcorp
Classification: Uncertain significance. Last evaluated: 2025-04-01. Review status: criteria provided, single submitter. Criteria: Invitae Variant Classification Sherloc (09022015). Collection method: clinical testing. Allele origin: germline.
Comment: This sequence change replaces glutamic acid, which is acidic and polar, with lysine, which is basic and polar, at codon 1199 of the CARMIL2 protein (p.Glu1199Lys). This variant is present in population databases (no rsID available, gnomAD 0.004%). This variant has not been reported in the literature in individuals affected with CARMIL2-related conditions. Invitae Evidence Modeling of protein sequence and biophysical properties (such as structural, functional, and spatial information, amino acid conservation, physicochemical variation, residue mobility, and thermodynamic stability) indicates that this missense variant is not expected to disrupt CARMIL2 protein function with a negative predictive value of 80%. In summary, the available evidence is currently insufficient to determine the role of this variant in disease. Therefore, it has been classified as a Variant of Uncertain Significance.

NM_001013838.3(CARMIL2):c.3595G>A (p.Glu1199Lys)

Gene: CARMIL2 (capping protein regulator and myosin 1 linker 2; plus strand). Cytogenetic location: 16q22.1.
Variant type: single nucleotide variant.
Coding change: c.3595G>A on transcript NM_001013838.3 (MANE Select); coding-DNA position 3595, G replaced by A.
Protein change: p.Glu1199Lys; replaces glutamic acid 1199 with lysine.
Molecular consequence: missense variant.
Genome position (GRCh38, 1-based): chr16:67,654,790, G>A. VCF-style: chr16-67654790-G-A. GRCh37 (hg19) VCF-style: chr16-67688693-G-A.
Other names: c.3487G>A, p.Glu1163Lys (NM_001317026.3); short protein forms E1163K, E1199K.
Identifiers: ClinVar variation 3709231 (VCV003709231.2).